The following is an entry in ClinVar:

NM_000038.6(APC):c.98A>C (p.His33Pro)

Gene: APC (APC regulator of Wnt signaling pathway; plus strand). Cytogenetic location: 5q22.2.
Variant type: single nucleotide variant.
Coding change: c.98A>C on transcript NM_000038.6 (MANE Select); coding-DNA position 98, A replaced by C.
Protein change: p.His33Pro; replaces histidine 33 with proline.
Molecular consequence: missense variant. On other transcripts: 5 prime UTR variant (4), non-coding transcript variant (2), intron variant (11).
Genome position (GRCh38, 1-based): chr5:112,754,988, A>C. VCF-style: chr5-112754988-A-C. GRCh37 (hg19) VCF-style: chr5-112090685-A-C.
Other names: c.98A>C, p.His33Pro (NM_001127510.3, NM_001354895.2, NM_001354896.2 and 16 more transcripts); c.-938A>C (NM_001354906.2, NM_001407470.1, NM_001407471.1 and 1 more transcripts); c.166-11338A>C (NM_001407446.1, NM_001354897.2, NM_001354902.2 and 1 more transcripts); c.-42-11338A>C (NM_001407453.1, NM_001354900.2, NM_001354901.2 and 1 more transcripts); c.61-11338A>C (NM_001407451.1, NM_001354898.2, NM_001354904.2); short protein forms H33P.
Identifiers: ClinVar variation 3305451 (VCV003305451.1).

ClinVar aggregate classification (germline): Uncertain significance (1 of 4 stars; one submission).

Conditions:
Hereditary cancer-predisposing syndrome. Also called: Tumor predisposition; Hereditary Cancer Syndrome; Hereditary neoplastic syndrome; Neoplastic Syndromes, Hereditary. Identifiers: Orphanet 140162, MedGen C0027672, MeSH D009386, MONDO:0015356.

Submission:

Ambry Genetics
Classification: Uncertain significance for Hereditary cancer-predisposing syndrome. Last evaluated: 2024-05-20. Review status: criteria provided, single submitter. Criteria: Ambry Variant Classification Scheme 2023. Collection method: clinical testing. Allele origin: germline.
Comment: The p.H33P variant (also known as c.98A>C), located in coding exon 1 of the APC gene, results from an A to C substitution at nucleotide position 98. The histidine at codon 33 is replaced by proline, an amino acid with similar properties. This amino acid position is conserved. In addition, in silico predictors for this gene do not accurately predict pathogenicity. Based on the available evidence, the clinical significance of this variant remains unclear.